The following is an entry in ClinVar:

ClinVar aggregate classification (germline): Uncertain significance (1 of 4 stars; one submission).

Conditions:
Combined immunodeficiency due to LRBA deficiency. Also called: Common variable immunodeficiency 8, with autoimmunity. Identifiers: Orphanet 445018, MedGen C3553512, MONDO:0013863, OMIM 614700.

Allele frequency attached by ClinVar (database versions not stated): gnomAD 0.00001; gnomAD exomes 0.00001; TOPMed 0.00001.

Submission:

Labcorp Genetics (formerly Invitae), Labcorp
Classification: Uncertain significance for Combined immunodeficiency due to LRBA deficiency. Last evaluated: 2022-02-10. Review status: criteria provided, single submitter. Criteria: Invitae Variant Classification Sherloc (09022015). Collection method: clinical testing. Allele origin: germline.
Comment: This sequence change replaces glycine, which is neutral and non-polar, with aspartic acid, which is acidic and polar, at codon 43 of the LRBA protein (p.Gly43Asp). This variant is not present in population databases (gnomAD no frequency). This variant has not been reported in the literature in individuals affected with LRBA-related conditions. Algorithms developed to predict the effect of missense changes on protein structure and function are either unavailable or do not agree on the potential impact of this missense change (SIFT: "Tolerated"; PolyPhen-2: "Probably Damaging"; Align-GVGD: "Class C0"). In summary, the available evidence is currently insufficient to determine the role of this variant in disease. Therefore, it has been classified as a Variant of Uncertain Significance.

NM_001364905.1(LRBA):c.128G>A (p.Gly43Asp)

Gene: LRBA (LPS responsive beige-like anchor protein; minus strand). Cytogenetic location: 4q31.3.
Variant type: single nucleotide variant.
Coding change: c.128G>A on transcript NM_001364905.1 (MANE Select); coding-DNA position 128, G replaced by A.
Protein change: p.Gly43Asp; replaces glycine 43 with aspartic acid.
Molecular consequence: missense variant.
Genome position (GRCh38, 1-based): chr4:151,014,515, C>T on the plus strand (G>A on the coding strand, the complement: LRBA is on the minus strand). VCF-style: chr4-151014515-C-T. GRCh37 (hg19) VCF-style: chr4-151935667-C-T.
Other names: c.128G>A, p.Gly43Asp (NM_001199282.3, NM_001367550.1, NM_006726.5); short protein forms G43D.
Identifiers: ClinVar variation 2075377 (VCV002075377.1), dbSNP rs1365938089, ClinGen allele CA358610927.